The following is an entry in ClinVar:

NM_002894.3(RBBP8):c.1379G>A (p.Cys460Tyr)

Gene: RBBP8 (RB binding protein 8, endonuclease; plus strand). Cytogenetic location: 18q11.2.
Variant type: single nucleotide variant.
Coding change: c.1379G>A on transcript NM_002894.3 (MANE Select); coding-DNA position 1379, G replaced by A.
Protein change: p.Cys460Tyr; replaces cysteine 460 with tyrosine.
Molecular consequence: missense variant.
Genome position (GRCh38, 1-based): chr18:22,993,206, G>A. VCF-style: chr18-22993206-G-A. GRCh37 (hg19) VCF-style: chr18-20573169-G-A.
Other names: c.1379G>A, p.Cys460Tyr (NM_203291.2, NM_203292.2); short protein forms C460Y.
Identifiers: ClinVar variation 3359270 (VCV003359270.1).

ClinVar aggregate classification (germline): Uncertain significance (1 of 4 stars; one submission).

Submission:

GeneDx
Classification: Uncertain significance. Last evaluated: 2023-05-31. Review status: criteria provided, single submitter. Criteria: GeneDx Variant Classification Process June 2021. Collection method: clinical testing. Allele origin: germline. Affected: yes.
Comment: Not observed at significant frequency in large population cohorts (gnomAD); In silico analysis supports that this missense variant has a deleterious effect on protein structure/function; Has not been previously published as pathogenic or benign to our knowledge